The following is an entry in ClinVar:

NM_002474.3(MYH11):c.4843G>A (p.Ala1615Thr)

Genes: NDE1 (nudE neurodevelopment protein 1; plus strand), MYH11 (myosin heavy chain 11; minus strand). Cytogenetic location: 16p13.11.
Variant type: single nucleotide variant.
Coding change: c.4843G>A on transcript NM_002474.3 (MANE Select); coding-DNA position 4843, G replaced by A.
Protein change: p.Ala1615Thr; replaces alanine 1615 with threonine.
Molecular consequence: missense variant. On other transcripts: intron variant (2).
Genome position (GRCh38, 1-based): chr16:15,720,261, C>T on the plus strand (G>A on the coding strand, the complement: MYH11 is on the minus strand). VCF-style: chr16-15720261-C-T. GRCh37 (hg19) VCF-style: chr16-15814118-C-T.
Other names: c.4864G>A, p.Ala1622Thr (NM_001040113.2, NM_001040114.2); c.4843G>A, p.Ala1615Thr (NM_022844.3); c.948-3930C>T (NM_001143979.2, NM_017668.3); short protein forms A1615T, A1622T.
Identifiers: ClinVar variation 3070505 (VCV003070505.4), dbSNP rs200083481, ClinGen allele CA7921524.

ClinVar aggregate classification (germline): Uncertain significance. Review status: criteria provided, multiple submitters, no conflicts (2 of 4 stars). 2 submissions from 2 submitters: Uncertain significance (2). Last evaluated 2024-10-30.

Conditions:
Familial thoracic aortic aneurysm and aortic dissection (TAAD). Also called: Thoracic aortic aneurysms and dissections. Identifiers: Orphanet 91387, MedGen C4707243, MONDO:0019625.
Aortic aneurysm, familial thoracic 4 (AAT4). Also called: AORTIC ANEURYSM/AORTIC DISSECTION AND PATENT DUCTUS ARTERIOSUS. Identifiers: MedGen C1851504, MONDO:0007568, OMIM 132900.

Allele frequency attached by ClinVar (database versions not stated): gnomAD exomes below 0.00001; ExAC 0.00001; gnomAD 0.00001; 1000 Genomes Project 30x 0.00016; 1000 Genomes Project 0.00020.
gnomAD v4.1: 6 of 1,614,150 alleles (0.00037%); highest among the groups gnomAD compares: East Asian, 0.0045%; no homozygotes.

Submissions (2):

Labcorp Genetics (formerly Invitae), Labcorp
Classification: Uncertain significance for Aortic aneurysm, familial thoracic 4. Last evaluated: 2024-10-30. Review status: criteria provided, single submitter. Criteria: Invitae Variant Classification Sherloc (09022015). Collection method: clinical testing. Allele origin: germline.
Comment: This sequence change replaces alanine, which is neutral and non-polar, with threonine, which is neutral and polar, at codon 1622 of the MYH11 protein (p.Ala1622Thr). This variant is present in population databases (rs200083481, gnomAD 0.0009%). This missense change has been observed in individual(s) with thoracic aortic dissection (PMID: 34422331). This variant is also known as c.G4843A p.A1615T. ClinVar contains an entry for this variant (Variation ID: 3070505). Invitae Evidence Modeling of protein sequence and biophysical properties (such as structural, functional, and spatial information, amino acid conservation, physicochemical variation, residue mobility, and thermodynamic stability) indicates that this missense variant is not expected to disrupt MYH11 protein function with a negative predictive value of 95%. In summary, the available evidence is currently insufficient to determine the role of this variant in disease. Therefore, it has been classified as a Variant of Uncertain Significance.

All of Us Research Program, National Institutes of Health
Classification: Uncertain significance for Familial thoracic aortic aneurysm and aortic dissection. Last evaluated: 2024-05-09. Review status: criteria provided, single submitter. Criteria: ACMG Guidelines, 2015. Collection method: clinical testing. Allele origin: germline. Inheritance: Autosomal dominant inheritance. Observed: 2 variant alleles, 2 heterozygotes.
Comment: This study involves interpretation of variants in research participants for the purpose of population health screening. Participant phenotype was not available at the time of variant classification. Additional details can be found in publication PMID: 35346344, PMCID: PMC8962531

Literature cited by the submitters: PubMed 34422331 (cited by Labcorp Genetics (formerly Invitae), Labcorp).